The following is an entry in ClinVar:

NM_004259.7(RECQL5):c.1586-8_1586-7insAA

Gene: RECQL5 (RecQ like helicase 5; minus strand). Cytogenetic location: 17q25.1.
Variant type: Insertion.
Coding change: c.1586-8_1586-7insAA on transcript NM_004259.7 (MANE Select); 8 bases into the intron before coding-DNA position 1586 through 7 bases into the intron before coding-DNA position 1586, AA inserted.
Molecular consequence: intron variant.
Genome position: GRCh38 VCF-style: chr17-75630844-G-GTT. GRCh37 (hg19) VCF-style: chr17-73626924-G-GTT.
Identifiers: ClinVar variation 3041303 (VCV003041303.2), dbSNP rs752469432, ClinGen allele CA8767384.

ClinVar aggregate classification (germline): Likely benign (0 of 4 stars; one submission).

Conditions:
RECQL5-related disorder. Also called: RECQL5-related condition.

Submission:

PreventionGenetics, part of Exact Sciences
Classification: Likely benign for RECQL5-related condition. Last evaluated: 2022-02-07. Review status: no assertion criteria provided. Collection method: clinical testing. Allele origin: germline.
Comment: This variant is classified as likely benign based on ACMG/AMP sequence variant interpretation guidelines (Richards et al. 2015 PMID: 25741868, with internal and published modifications).